The following is an entry in ClinVar:

ClinVar aggregate classification (germline): Uncertain significance (1 of 4 stars; one submission).

Conditions:
Cystic fibrosis (CF). Also called: MUCOVISCIDOSIS. Identifiers: Orphanet 586, MedGen C0010674, MONDO:0009061, OMIM 219700. Disease mechanism: loss of function.

Submission:

3billion
Classification: Uncertain significance for Cystic fibrosis. Last evaluated: 2024-08-09. Review status: criteria provided, single submitter. Criteria: ACMG Guidelines, 2015. Collection method: clinical testing. Allele origin: germline. Affected: yes.
Comment: The variant is not observed in the gnomAD v4.0.0 dataset. Predicted Consequence/Location: Frameshift: predicted to result in a loss or disruption of normal protein function through protein truncation. The predicted truncated protein may be shortened by less than 10%. Therefore, this variant is classified as VUS according to the recommendation of ACMG/AMP guideline.

NM_000492.4(CFTR):c.4233del (p.Gln1411fs)

Gene: CFTR (CF transmembrane conductance regulator; plus strand). Cytogenetic location: 7q31.2.
Variant type: Deletion.
Coding change: c.4233del on transcript NM_000492.4 (MANE Select); coding-DNA position 4233, one base deleted (A; older notation c.4233delA).
Protein change: p.Gln1411fs; shifts the reading frame from glutamine 1411.
Molecular consequence: frameshift variant.
Genome position (GRCh38, 1-based): chr7:117,665,555, A deleted; the last of 2 consecutive A bases (chr7:117,665,554-117,665,555); deleting either gives the same sequence. VCF-style (leftmost placement, unchanged base first): chr7-117665553-CA-C. GRCh37 (hg19) VCF-style: chr7-117305607-CA-C.
Other names: short protein forms Q1411fs.
Identifiers: ClinVar variation 4292676 (VCV004292676.1).